The following is an entry in ClinVar:

NM_001077365.2(POMT1):c.1680G>C (p.Trp560Cys)

Gene: POMT1 (protein O-mannosyltransferase 1; plus strand). Cytogenetic location: 9q34.13.
Variant type: single nucleotide variant.
Coding change: c.1680G>C on transcript NM_001077365.2 (MANE Select); coding-DNA position 1680, G replaced by C.
Protein change: p.Trp560Cys; replaces tryptophan 560 with cysteine.
Molecular consequence: missense variant. On other transcripts: non-coding transcript variant (10).
Genome position (GRCh38, 1-based): chr9:131,520,175, G>C. VCF-style: chr9-131520175-G-C. GRCh37 (hg19) VCF-style: chr9-134395562-G-C.
Other names: c.1518G>C, p.Trp506Cys (NM_001077366.2, NM_001353194.2); c.1680G>C, p.Trp560Cys (NM_001136113.2); c.1329G>C, p.Trp443Cys (NM_001136114.2, NM_001353195.2, NM_001374691.1 and 2 more transcripts); c.1746G>C, p.Trp582Cys (NM_001353193.2, NM_007171.4); c.1590G>C, p.Trp530Cys (NM_001353196.2); c.1584G>C, p.Trp528Cys (NM_001353197.2, NM_001353198.2); c.1395G>C, p.Trp465Cys (NM_001353199.2); c.1224G>C, p.Trp408Cys (NM_001353200.2); and 3 more; short protein forms W582C, W408C, W506C, W530C, W443C, W465C, W560C, W528C.
Identifiers: ClinVar variation 3242 (VCV000003242.8), dbSNP rs119462984, ClinGen allele CA116106.

ClinVar aggregate classification (germline): Uncertain significance. Review status: criteria provided, single submitter (1 of 4 stars). 2 submissions from 2 submitters: Uncertain significance (1). 1 of the submissions does not count toward it. Last evaluated 2022-04-01.

Conditions:
Autosomal recessive limb-girdle muscular dystrophy type 2K. Also called: MUSCULAR DYSTROPHY-DYSTROGLYCANOPATHY (LIMB-GIRDLE), TYPE C, 1; MUSCULAR DYSTROPHY, LIMB-GIRDLE, TYPE 2K. Identifiers: Orphanet 86812, MedGen C1836373, MONDO:0012248, OMIM 609308.
Muscular dystrophy-dystroglycanopathy (congenital with impaired intellectual development), type B, 1. Also called: MUSCULAR DYSTROPHY, CONGENITAL, POMT1-RELATED; Muscular dystrophy-dystroglycanopathy (congenital with intellectual disability), type B1. Identifiers: MedGen C5436962, MONDO:0013159, OMIM 613155.
Walker-Warburg congenital muscular dystrophy. Also called: Muscular dystrophy-dystroglycanopathy, type A; Walker-Warburg syndrome. Identifiers: Orphanet 899, MedGen C0265221, MONDO:0000171.

Allele frequency attached by ClinVar (database versions not stated): gnomAD exomes below 0.00001.
gnomAD v4.1: 1 of 1,613,610 alleles (0.000062%); highest among the groups gnomAD compares: Non-Finnish European, 0.000085%; no homozygotes.

Submissions (2):

Labcorp Genetics (formerly Invitae), Labcorp
Classification: Uncertain significance for Muscular dystrophy-dystroglycanopathy (congenital with impaired intellectual development), type B, 1; Walker-Warburg congenital muscular dystrophy; Autosomal recessive limb-girdle muscular dystrophy type 2K. Last evaluated: 2022-04-01. Review status: criteria provided, single submitter. Criteria: Invitae Variant Classification Sherloc (09022015). Collection method: clinical testing. Allele origin: germline.
Comment: This sequence change replaces tryptophan, which is neutral and slightly polar, with cysteine, which is neutral and slightly polar, at codon 582 of the POMT1 protein (p.Trp582Cys). This variant is not present in population databases (gnomAD no frequency). This missense change has been observed in individual(s) with POMT1-related conditions (PMID: 16575835). In at least one individual the data is consistent with being in trans (on the opposite chromosome) from a pathogenic variant. It has also been observed to segregate with disease in related individuals. ClinVar contains an entry for this variant (Variation ID: 3242). Algorithms developed to predict the effect of missense changes on protein structure and function are either unavailable or do not agree on the potential impact of this missense change (SIFT: "Deleterious"; PolyPhen-2: "Probably Damaging"; Align-GVGD: "Class C0"). In summary, the available evidence is currently insufficient to determine the role of this variant in disease. Therefore, it has been classified as a Variant of Uncertain Significance.

OMIM
Classification: Pathogenic for MUSCULAR DYSTROPHY-DYSTROGLYCANOPATHY (CONGENITAL WITH IMPAIRED INTELLECTUAL DEVELOPMENT), TYPE B, 1. Last evaluated: 2006-05-01. Review status: no assertion criteria provided. Collection method: literature only. Allele origin: germline. Not counted in ClinVar's aggregate classification.

Literature cited by the submitters: PubMed 16575835 (cited by Labcorp Genetics (formerly Invitae), Labcorp and OMIM).